The following is an entry in ClinVar:

ClinVar aggregate classification (germline): Uncertain significance (1 of 4 stars; one submission).

Allele frequency attached by ClinVar (database versions not stated): TOPMed 0.00001.
gnomAD v4.1: 8 of 1,613,840 alleles (0.0005%); highest among the groups gnomAD compares: Admixed American, 0.013%; no homozygotes.

Submission:

Labcorp Genetics (formerly Invitae), Labcorp
Classification: Uncertain significance. Last evaluated: 2024-02-17. Review status: criteria provided, single submitter. Criteria: Invitae Variant Classification Sherloc (09022015). Collection method: clinical testing. Allele origin: germline.
Comment: This sequence change replaces proline, which is neutral and non-polar, with leucine, which is neutral and non-polar, at codon 517 of the COL13A1 protein (p.Pro517Leu). This variant is present in population databases (rs745363959, gnomAD 0.01%). This variant has not been reported in the literature in individuals affected with COL13A1-related conditions. ClinVar contains an entry for this variant (Variation ID: 1479549). An algorithm developed to predict the effect of missense changes on protein structure and function (PolyPhen-2) suggests that this variant is likely to be disruptive. In summary, the available evidence is currently insufficient to determine the role of this variant in disease. Therefore, it has been classified as a Variant of Uncertain Significance.

NM_001368882.1(COL13A1):c.1583C>T (p.Pro528Leu)

Gene: COL13A1 (collagen type XIII alpha 1 chain; plus strand). Cytogenetic location: 10q22.1.
Variant type: single nucleotide variant.
Coding change: c.1583C>T on transcript NM_001368882.1 (MANE Select); coding-DNA position 1583, C replaced by T.
Protein change: p.Pro528Leu; replaces proline 528 with leucine.
Molecular consequence: missense variant.
Genome position (GRCh38, 1-based): chr10:69,930,452, C>T. VCF-style: chr10-69930452-C-T. GRCh37 (hg19) VCF-style: chr10-71690208-C-T.
Other names: c.1550C>T, p.Pro517Leu (NM_001130103.2); c.1520C>T, p.Pro507Leu (NM_001320951.2, NM_001368884.1); c.1547C>T, p.Pro516Leu (NM_001368883.1); c.1484C>T, p.Pro495Leu (NM_001368885.1, NM_080801.4, NM_080802.4); c.920C>T, p.Pro307Leu (NM_001368886.1); c.1493C>T, p.Pro498Leu (NM_001368895.1, NM_080800.4); c.1379C>T, p.Pro460Leu (NM_001368896.1, NM_001368898.1, NM_080798.4); c.1406C>T, p.Pro469Leu (NM_001368897.1); and 1 more; short protein forms P495L, P517L, P307L, P528L, P460L, P507L, P516L, P466L.
Identifiers: ClinVar variation 1479549 (VCV001479549.5), dbSNP rs745363959, ClinGen allele CA5534837.